The following is an entry in ClinVar:

ClinVar aggregate classification (germline): Likely benign (1 of 4 stars; one submission).

gnomAD v4.1: 3 of 1,614,152 alleles (0.00019%); highest among the groups gnomAD compares: South Asian, 0.0022%; no homozygotes.

Submission:

CeGaT Center for Human Genetics Tuebingen
Classification: Likely benign. Last evaluated: 2023-05-01. Review status: criteria provided, single submitter. Criteria: CeGaT Center For Human Genetics Tuebingen Variant Classification Criteria Version 2. Collection method: clinical testing. Allele origin: germline. Affected: yes. Observed: 1 variant allele.
Comment: TUSC3: BP4, BP7

NM_006765.4(TUSC3):c.402T>C (p.Asp134=)

Gene: TUSC3 (tumor suppressor candidate 3; plus strand). Cytogenetic location: 8p22.
Variant type: single nucleotide variant.
Coding change: c.402T>C on transcript NM_006765.4 (MANE Select); coding-DNA position 402, T replaced by C.
Protein change: p.Asp134=; no amino-acid change (aspartic acid 134 retained).
Molecular consequence: synonymous variant. On other transcripts: non-coding transcript variant (5), intron variant (1).
Genome position (GRCh38, 1-based): chr8:15,650,790, T>C. VCF-style: chr8-15650790-T-C. GRCh37 (hg19) VCF-style: chr8-15508299-T-C.
Other names: c.402T>C, p.Asp134= (NM_001356429.2, NM_001413583.1, NM_001413673.1 and 16 more transcripts); c.234T>C, p.Asp78= (NM_001413669.1, NM_001413671.1, NM_001413672.1); c.342T>C, p.Asp114= (NM_001413670.1); c.15T>C, p.Asp5= (NM_001413678.1); c.396T>C, p.Asp132= (NM_001413690.1); c.-6-8717T>C (NM_001413677.1).
Identifiers: ClinVar variation 2571310 (VCV002571310.27), dbSNP rs1439542832, ClinGen allele CA459823221.